The following is an entry in ClinVar:

ClinVar aggregate classification (germline): Uncertain significance (1 of 4 stars; one submission).

Submission:

GeneDx
Classification: Uncertain significance. Last evaluated: 2024-02-06. Review status: criteria provided, single submitter. Criteria: GeneDx Variant Classification Process June 2021. Collection method: clinical testing. Allele origin: germline. Affected: yes.
Comment: In silico analysis supports that this missense variant has a deleterious effect on protein structure/function; Has not been previously published as pathogenic or benign to our knowledge

NM_001845.6(COL4A1):c.2426C>T (p.Pro809Leu)

Gene: COL4A1 (collagen type IV alpha 1 chain; minus strand). Cytogenetic location: 13q34.
Variant type: single nucleotide variant.
Coding change: c.2426C>T on transcript NM_001845.6 (MANE Select); coding-DNA position 2426, C replaced by T.
Protein change: p.Pro809Leu; replaces proline 809 with leucine.
Molecular consequence: missense variant.
Genome position (GRCh38, 1-based): chr13:110,178,955, G>A on the plus strand (C>T on the coding strand, the complement: COL4A1 is on the minus strand). VCF-style: chr13-110178955-G-A. GRCh37 (hg19) VCF-style: chr13-110831302-G-A.
Other names: short protein forms P809L.
Identifiers: ClinVar variation 3368720 (VCV003368720.1), dbSNP rs267603753.
Genomic context (GRCh38, chr13:110,178,955, plus strand): 5'-CAGATAATTCTAGAAGCATGTCACTCACCTGACAACCCCGGTGGTCCCTGTCCTCCAGGG[G>A]GACCCCTAGCTCCAGGGGGGCCTATTCCTGGAACTCCTGGAGACCCCACGGAGCCTGGCA-3'
Protein context (NP_001836.3, residues 799-819): PGIGPPGARG[Pro809Leu]PGGQGPPGLS